The following is an entry in ClinVar:

ClinVar aggregate classification (germline): Uncertain significance (1 of 4 stars; one submission).

Allele frequency attached by ClinVar (database versions not stated): gnomAD exomes below 0.00001; TOPMed below 0.00001.
gnomAD v4.1: 5 of 1,614,068 alleles (0.00031%); highest among the groups gnomAD compares: Non-Finnish European, 0.00042%; no homozygotes.

Submission:

Labcorp Genetics (formerly Invitae), Labcorp
Classification: Uncertain significance. Last evaluated: 2022-11-01. Review status: criteria provided, single submitter. Criteria: Invitae Variant Classification Sherloc (09022015). Collection method: clinical testing. Allele origin: germline.
Comment: Algorithms developed to predict the effect of missense changes on protein structure and function (SIFT, PolyPhen-2, Align-GVGD) all suggest that this variant is likely to be tolerated. This sequence change replaces lysine, which is basic and polar, with glutamic acid, which is acidic and polar, at codon 159 of the AIMP2 protein (p.Lys159Glu). This variant is not present in population databases (gnomAD no frequency). This variant has not been reported in the literature in individuals affected with AIMP2-related conditions. In summary, the available evidence is currently insufficient to determine the role of this variant in disease. Therefore, it has been classified as a Variant of Uncertain Significance.

NM_006303.4(AIMP2):c.475A>G (p.Lys159Glu)

Gene: AIMP2 (aminoacyl tRNA synthetase complex interacting multifunctional protein 2; plus strand). Cytogenetic location: 7p22.1.
Variant type: single nucleotide variant.
Coding change: c.475A>G on transcript NM_006303.4 (MANE Select); coding-DNA position 475, A replaced by G.
Protein change: p.Lys159Glu; replaces lysine 159 with glutamic acid.
Molecular consequence: missense variant.
Genome position (GRCh38, 1-based): chr7:6,017,946, A>G. VCF-style: chr7-6017946-A-G. GRCh37 (hg19) VCF-style: chr7-6057577-A-G.
Other names: c.355A>G, p.Lys119Glu (NM_001326606.2); c.268A>G, p.Lys90Glu (NM_001326607.2); c.241A>G, p.Lys81Glu (NM_001326609.2, NM_001326610.2, NM_001326611.3); c.388A>G, p.Lys130Glu (NM_001362785.2); c.343A>G, p.Lys115Glu (NM_001362787.2); short protein forms K115E, K130E, K81E, K119E, K90E, K159E.
Identifiers: ClinVar variation 1929826 (VCV001929826.5), dbSNP rs1787127140, ClinGen allele CA366746683.